The following is an entry in ClinVar:

NM_006231.4(POLE):c.1469A>G (p.Asp490Gly)

Gene: POLE (DNA polymerase epsilon, catalytic subunit; minus strand). Cytogenetic location: 12q24.33.
Variant type: single nucleotide variant.
Coding change: c.1469A>G on transcript NM_006231.4 (MANE Select); coding-DNA position 1469, A replaced by G.
Protein change: p.Asp490Gly; replaces aspartic acid 490 with glycine.
Molecular consequence: missense variant.
Genome position (GRCh38, 1-based): chr12:132,673,168, T>C on the plus strand (A>G on the coding strand, the complement: POLE is on the minus strand). VCF-style: chr12-132673168-T-C. GRCh37 (hg19) VCF-style: chr12-133249754-T-C.
Other names: short protein forms D490G.
Identifiers: ClinVar variation 3422109 (VCV003422109.1).

ClinVar aggregate classification (germline): Uncertain significance (1 of 4 stars; one submission).

Conditions:
Hereditary cancer-predisposing syndrome. Also called: Neoplastic Syndromes, Hereditary; Tumor predisposition; Hereditary Cancer Syndrome; Hereditary neoplastic syndrome. Identifiers: Orphanet 140162, MedGen C0027672, MeSH D009386, MONDO:0015356.

Submission:

Ambry Genetics
Classification: Uncertain significance for Hereditary cancer-predisposing syndrome. Last evaluated: 2024-07-06. Review status: criteria provided, single submitter. Criteria: Ambry Variant Classification Scheme 2023. Collection method: clinical testing. Allele origin: germline.
Comment: The p.D490G variant (also known as c.1469A>G), located in coding exon 14 of the POLE gene, results from an A to G substitution at nucleotide position 1469. The aspartic acid at codon 490 is replaced by glycine, an amino acid with similar properties. This amino acid position is conserved. In addition, this alteration is predicted to be deleterious by in silico analysis. Based on the available evidence, the clinical significance of this variant remains unclear.